The following is an entry in ClinVar:

ClinVar aggregate classification (germline): Uncertain significance (1 of 4 stars; one submission).

Conditions:
Inborn genetic diseases. Identifiers: MedGen C0950123, MeSH D030342.

Submission:

Ambry Genetics
Classification: Uncertain significance for Inborn genetic diseases. Last evaluated: 2026-08-15. Review status: criteria provided, single submitter. Criteria: Ambry Variant Classification Scheme 2023. Collection method: clinical testing. Allele origin: germline.
Comment: The p.A290S variant (also known as c.868G>T), located in coding exon 5 of the ERCC6L2 gene, results from a G to T substitution at nucleotide position 868. The alanine at codon 290 is replaced by serine, an amino acid with similar properties. This amino acid position is conserved. In addition, this alteration is predicted to be tolerated by in silico analysis. Based on the available evidence, the clinical significance of this variant remains unclear.

NM_020207.7(ERCC6L2):c.868G>T (p.Ala290Ser)

Gene: ERCC6L2 (ERCC excision repair 6 like 2; plus strand). Cytogenetic location: 9q22.32.
Variant type: single nucleotide variant.
Coding change: c.868G>T on transcript NM_020207.7 (MANE Select); coding-DNA position 868, G replaced by T.
Protein change: p.Ala290Ser; replaces alanine 290 with serine.
Molecular consequence: missense variant. On other transcripts: non-coding transcript variant (1).
Genome position (GRCh38, 1-based): chr9:95,915,747, G>T. VCF-style: chr9-95915747-G-T. GRCh37 (hg19) VCF-style: chr9-98678029-G-T.
Other names: c.868G>T, p.Ala290Ser (NM_001010895.4, NM_001375291.1, NM_001375292.1 and 2 more transcripts); short protein forms A290S.
Identifiers: ClinVar variation 5036101 (VCV005036101.1).